The following is an entry in ClinVar:

ClinVar aggregate classification (germline): Uncertain significance (1 of 4 stars; one submission).

Conditions:
ALG6-congenital disorder of glycosylation 1C (CDG1C). Also called: CDG Ic; Congenital disorder of glycosylation type 1C; CARBOHYDRATE-DEFICIENT GLYCOPROTEIN SYNDROME, TYPE I, WITH DEFICIENT GLYCOSYLATION OF DOLICHOL-LINKED OLIGOSACCHARIDE; CARBOHYDRATE-DEFICIENT GLYCOPROTEIN SYNDROME, TYPE V; Congenital disorder of glycosylation, type Ic. Identifiers: Orphanet 79320, MedGen C2930997, MONDO:0011291, OMIM 603147.

Submission:

Labcorp Genetics (formerly Invitae), Labcorp
Classification: Uncertain significance for ALG6-congenital disorder of glycosylation 1C. Last evaluated: 2022-06-20. Review status: criteria provided, single submitter. Criteria: Invitae Variant Classification Sherloc (09022015). Collection method: clinical testing. Allele origin: germline.
Comment: Algorithms developed to predict the effect of missense changes on protein structure and function output the following: SIFT: "Tolerated"; PolyPhen-2: "Benign"; Align-GVGD: "Class C0". The leucine amino acid residue is found in multiple mammalian species, which suggests that this missense change does not adversely affect protein function. This variant has not been reported in the literature in individuals affected with ALG6-related conditions. This variant is not present in population databases (gnomAD no frequency). This sequence change replaces methionine, which is neutral and non-polar, with leucine, which is neutral and non-polar, at codon 34 of the ALG6 protein (p.Met34Leu). In summary, the available evidence is currently insufficient to determine the role of this variant in disease. Therefore, it has been classified as a Variant of Uncertain Significance.

NM_013339.4(ALG6):c.100A>C (p.Met34Leu)

Gene: ALG6 (ALG6 alpha-1,3-glucosyltransferase; plus strand). Cytogenetic location: 1p31.3.
Variant type: single nucleotide variant.
Coding change: c.100A>C on transcript NM_013339.4 (MANE Select); coding-DNA position 100, A replaced by C.
Protein change: p.Met34Leu; replaces methionine 34 with leucine.
Molecular consequence: missense variant.
Genome position (GRCh38, 1-based): chr1:63,396,530, A>C. VCF-style: chr1-63396530-A-C. GRCh37 (hg19) VCF-style: chr1-63862201-A-C.
Other names: short protein forms M34L.
Identifiers: ClinVar variation 1423806 (VCV001423806.8), dbSNP rs1557585842, ClinGen allele CA340632706.